The following is an entry in ClinVar:

ClinVar aggregate classification (germline): Uncertain significance. Review status: criteria provided, multiple submitters, no conflicts (2 of 4 stars). 3 submissions from 3 submitters: Uncertain significance (3). Last evaluated 2024-09-17.

Conditions:
Nemaline myopathy 2 (NEM2). Also called: Nemaline myopathy 2, autosomal recessive. Identifiers: MedGen C1850569, MONDO:0009725, OMIM 256030.

gnomAD v4.1: 11 of 1,613,582 alleles (0.00068%); highest among the groups gnomAD compares: South Asian, 0.011%; no homozygotes.

Submissions (3):

Labcorp Genetics (formerly Invitae), Labcorp
Classification: Uncertain significance for Nemaline myopathy 2. Last evaluated: 2024-09-17. Review status: criteria provided, single submitter. Criteria: Invitae Variant Classification Sherloc (09022015). Collection method: clinical testing. Allele origin: germline.
Comment: This sequence change replaces histidine, which is basic and polar, with tyrosine, which is neutral and polar, at codon 7267 of the NEB protein (p.His7267Tyr). This variant is present in population databases (rs547020660, gnomAD 0.003%). This variant has not been reported in the literature in individuals affected with NEB-related conditions. An algorithm developed to predict the effect of missense changes on protein structure and function outputs the following: PolyPhen-2: "Not Available". The tyrosine amino acid residue is found in multiple mammalian species, which suggests that this missense change does not adversely affect protein function. In summary, the available evidence is currently insufficient to determine the role of this variant in disease. Therefore, it has been classified as a Variant of Uncertain Significance.

GeneDx
Classification: Uncertain significance. Last evaluated: 2024-07-18. Review status: criteria provided, single submitter. Criteria: GeneDx Variant Classification Process June 2021. Collection method: clinical testing. Allele origin: germline. Affected: yes.
Comment: Not observed at significant frequency in large population cohorts (gnomAD); In silico analysis indicates that this missense variant does not alter protein structure/function; Has not been previously published as pathogenic or benign to our knowledge

Blueprint Genetics
Classification: Uncertain significance. Last evaluated: 2019-01-26. Review status: criteria provided, single submitter. Criteria: ACMG Guidelines, 2015. Collection method: clinical testing. Allele origin: germline.

NM_001164508.2(NEB):c.21694C>T (p.His7232Tyr)

Genes: NEB (nebulin; minus strand), RIF1 (replication timing regulatory factor 1; plus strand). Cytogenetic location: 2q23.3.
Variant type: single nucleotide variant.
Coding change: c.21694C>T on transcript NM_001164508.2 (MANE Select); coding-DNA position 21694, C replaced by T.
Protein change: p.His7232Tyr; replaces histidine 7232 with tyrosine.
Molecular consequence: missense variant.
Genome position (GRCh38, 1-based): chr2:151,529,251, G>A on the plus strand (C>T on the coding strand, the complement: NEB is on the minus strand). VCF-style: chr2-151529251-G-A. GRCh37 (hg19) VCF-style: chr2-152385765-G-A.
Other names: c.21694C>T, p.His7232Tyr (NM_001164507.2); c.21799C>T, p.His7267Tyr (NM_001271208.2); c.16591C>T, p.His5531Tyr (NM_004543.5); short protein forms H5531Y, H7232Y, H7267Y.
Identifiers: ClinVar variation 3573780 (VCV003573780.4).
Genomic context (GRCh38, chr2:151,529,251, plus strand): 5'-GGAAGTTTCTGGAACTTACATTGGTGTTGACTTTGTAGGCGTCCTTGGCTGCTTTGATAT[G>A]AACAGCATCTGGCTCAATGGTGCAGTTGGATTTATTTCTTTGGTATACTTCTTTGTATTT-3'
Protein context (NP_001157980.2, residues 7222-7242): SNCTIEPDAV[His7232Tyr]IKAAKDAYKV